The following is an entry in ClinVar:

ClinVar aggregate classification (germline): Uncertain significance (1 of 4 stars; one submission).

Submission:

GeneDx
Classification: Uncertain significance. Last evaluated: 2026-03-03. Review status: criteria provided, single submitter. Criteria: GeneDx Variant Classification Process June 2021. Collection method: clinical testing. Allele origin: germline.
Comment: Not observed at significant frequency in large population cohorts (gnomAD); In silico analysis supports that this missense variant has a deleterious effect on protein structure/function; Has not been previously published as pathogenic or benign to our knowledge

NM_005121.3(MED13):c.6314C>A (p.Pro2105His)

Gene: MED13 (mediator complex subunit 13; minus strand). Cytogenetic location: 17q23.2.
Variant type: single nucleotide variant.
Coding change: c.6314C>A on transcript NM_005121.3 (MANE Select); coding-DNA position 6314, C replaced by A.
Protein change: p.Pro2105His; replaces proline 2105 with histidine.
Molecular consequence: missense variant.
Genome position (GRCh38, 1-based): chr17:61,946,995, G>T on the plus strand (C>A on the coding strand, the complement: MED13 is on the minus strand). VCF-style: chr17-61946995-G-T. GRCh37 (hg19) VCF-style: chr17-60024356-G-T.
Other names: short protein forms P2105H.
Identifiers: ClinVar variation 5008546 (VCV005008546.1).